The following is an entry in ClinVar:

NM_012156.2(EPB41L1):c.531G>T (p.Pro177=)

Gene: EPB41L1 (erythrocyte membrane protein band 4.1 like 1; plus strand). Cytogenetic location: 20q11.23.
Variant type: single nucleotide variant.
Coding change: c.531G>T on transcript NM_012156.2 (MANE Select); coding-DNA position 531, G replaced by T.
Protein change: p.Pro177=; no amino-acid change (proline 177 retained).
Molecular consequence: synonymous variant.
Genome position (GRCh38, 1-based): chr20:36,182,312, G>T. VCF-style: chr20-36182312-G-T. GRCh37 (hg19) VCF-style: chr20-34770234-G-T.
Other names: c.531G>T, p.Pro177= (NM_001258329.1); c.438G>T, p.Pro146= (NM_001258330.1); c.345G>T, p.Pro115= (NM_001258331.2, NM_177996.2).
Identifiers: ClinVar variation 210950 (VCV000210950.34), dbSNP rs139137163, ClinGen allele CA208944.

ClinVar aggregate classification (germline): Benign/Likely benign. Review status: criteria provided, multiple submitters, no conflicts (2 of 4 stars). 4 submissions from 4 submitters: Benign (1); Likely benign (3). Last evaluated 2024-11-08.

Allele frequency attached by ClinVar (database versions not stated): 1000 Genomes Project 30x 0.00031; TOPMed 0.00151; ESP Exome Variant Server 0.00161.
gnomAD v4.1: 2,394 of 1,614,066 alleles (0.15%); highest among the groups gnomAD compares: Non-Finnish European, 0.19%; 4 homozygotes.

Submissions (4):

Blueprint Genetics
Classification: Likely benign. Last evaluated: 2024-11-08. Review status: criteria provided, single submitter. Criteria: ACMG Guidelines, 2015. Collection method: clinical testing. Allele origin: germline.

CeGaT Center for Human Genetics Tuebingen
Classification: Likely benign. Last evaluated: 2023-09-01. Review status: criteria provided, single submitter. Criteria: CeGaT Center For Human Genetics Tuebingen Variant Classification Criteria Version 2. Collection method: clinical testing. Allele origin: germline. Affected: yes. Observed: 2 variant alleles.
Comment: EPB41L1: BP4, BP7

Labcorp Genetics (formerly Invitae), Labcorp
Classification: Likely benign. Last evaluated: 2018-04-18. Review status: criteria provided, single submitter. Criteria: Invitae Variant Classification Sherloc (09022015). Collection method: clinical testing. Allele origin: germline.

Genetic Services Laboratory, University of Chicago
Classification: Benign. Last evaluated: 2016-08-15. Review status: criteria provided, single submitter. Criteria: ACMG Guidelines, 2015. Collection method: clinical testing. Allele origin: germline. Affected: no.